The following is an entry in ClinVar:

ClinVar aggregate classification (germline): Conflicting classifications of pathogenicity. Review status: criteria provided, conflicting classifications (1 of 4 stars). 9 submissions from 9 submitters: Uncertain significance (1); Benign (5); Likely benign (2). 1 of the submissions does not count toward it. Last evaluated 2026-09-01.

Conditions:
EVC2-related disorder. Also called: EVC2-related condition.
Curry-Hall syndrome (WAD). Also called: WEYERS ACRODENTAL DYSOSTOSIS. Identifiers: Orphanet 952, MedGen C0457013, MONDO:0008673, OMIM 193530.
Ellis-van Creveld syndrome (EVC). Also called: MESOECTODERMAL DYSPLASIA; Chondroectodermal dysplasia. Identifiers: Orphanet 289, MedGen C0013903, MONDO:0009162, OMIM 225500.

Allele frequency attached by ClinVar (database versions not stated): 1000 Genomes Project 0.00280; 1000 Genomes Project 30x 0.00328; gnomAD 0.00341; ESP Exome Variant Server 0.00584.
gnomAD v4.1: 9,701 of 1,614,028 alleles (0.6%); highest among the groups gnomAD compares: Non-Finnish European, 0.75%; 35 homozygotes.

Submissions (9):

CeGaT Center for Human Genetics Tuebingen
Classification: Likely benign. Last evaluated: 2026-09-01. Review status: criteria provided, single submitter. Criteria: CeGaT Center For Human Genetics Tuebingen Variant Classification Criteria Version 2. Collection method: clinical testing. Allele origin: germline. Affected: yes. Observed: 12 variant alleles.
Comment: EVC2: BP4, BS2

Women's Health and Genetics/Laboratory Corporation of America, LabCorp
Classification: Benign. Last evaluated: 2026-06-02. Review status: criteria provided, single submitter. Criteria: LabCorp Variant Classification Summary - May 2015. Collection method: clinical testing. Allele origin: germline.
Comment: Variant summary: EVC2 c.2029C>A results in a synonymous change. Several computational tools predict a significant impact on normal splicing: Four predict the variant no significant impact on splicing. However, these predictions have yet to be confirmed by functional studies. The variant allele was found at a frequency of 0.0039 in 251382 control chromosomes in the gnomAD database, including 4 homozygotes. The observed variant frequency exceeds the estimated maximal expected allele frequency for disease-causing variants in EVC2. To our knowledge, no occurrence of c.2029C>A in individuals affected with EVC2-related conditions and no experimental evidence demonstrating its impact on protein function have been reported. ClinVar contains an entry for this variant (Variation ID: 235459). Based on the evidence outlined above, the variant was classified as benign.

Labcorp Genetics (formerly Invitae), Labcorp
Classification: Benign for Curry-Hall syndrome; Ellis-van Creveld syndrome. Last evaluated: 2026-01-31. Review status: criteria provided, single submitter. Criteria: Invitae Variant Classification Sherloc (09022015). Collection method: clinical testing. Allele origin: germline.

ARUP Laboratories, Molecular Genetics and Genomics, ARUP Laboratories
Classification: Benign. Last evaluated: 2024-02-27. Review status: criteria provided, single submitter. Criteria: ARUP Molecular Germline Variant Investigation Process 2024. Collection method: clinical testing. Allele origin: germline.

GeneDx
Classification: Benign. Last evaluated: 2018-07-23. Review status: criteria provided, single submitter. Criteria: GeneDx Variant Classification Process June 2021. Collection method: clinical testing. Allele origin: germline. Affected: yes.

Illumina Laboratory Services, Illumina
Classification: Uncertain significance for Ellis-van Creveld syndrome. Last evaluated: 2017-04-27. Review status: criteria provided, single submitter. Criteria: ICSL Variant Classification Criteria 13 December 2019. Collection method: clinical testing. Allele origin: germline.

Center for Pediatric Genomic Medicine, Children's Mercy Hospital and Clinics
Classification: Likely benign. Last evaluated: 2016-01-21. Review status: criteria provided, single submitter. Criteria: ACMG Guidelines, 2015. Collection method: clinical testing. Allele origin: germline.
ClinVar note: Converted during submission from Likely Benign to Likely benign.

Eurofins Ntd Llc (ga)
Classification: Benign. Last evaluated: 2015-06-22. Review status: criteria provided, single submitter. Criteria: EGL Classification Definitions 2015. Collection method: clinical testing. Allele origin: germline.

PreventionGenetics, part of Exact Sciences
Classification: Likely benign for EVC2-related condition. Last evaluated: 2020-01-03. Review status: no assertion criteria provided. Collection method: clinical testing. Allele origin: germline. Not counted in ClinVar's aggregate classification.
Comment: This variant is classified as likely benign based on ACMG/AMP sequence variant interpretation guidelines (Richards et al. 2015 PMID: 25741868, with internal and published modifications).

NM_147127.5(EVC2):c.2029C>A (p.Arg677=)

Gene: EVC2 (EvC ciliary complex subunit 2; minus strand). Cytogenetic location: 4p16.2.
Variant type: single nucleotide variant.
Coding change: c.2029C>A on transcript NM_147127.5 (MANE Select); coding-DNA position 2029, C replaced by A.
Protein change: p.Arg677=; no amino-acid change (arginine 677 retained).
Molecular consequence: synonymous variant.
Genome position (GRCh38, 1-based): chr4:5,625,766, G>T on the plus strand (C>A on the coding strand, the complement: EVC2 is on the minus strand). VCF-style: chr4-5625766-G-T. GRCh37 (hg19) VCF-style: chr4-5627493-G-T.
Other names: c.1789C>A, p.Arg597= (NM_001166136.2).
Identifiers: ClinVar variation 235459 (VCV000235459.64), dbSNP rs73198165, ClinGen allele CA2834861.